The following is an entry in ClinVar:

ClinVar aggregate classification (germline): Pathogenic (1 of 4 stars; one submission).

Submission:

Labcorp Genetics (formerly Invitae), Labcorp
Classification: Pathogenic. Last evaluated: 2025-02-24. Review status: criteria provided, single submitter. Criteria: Invitae Variant Classification Sherloc (09022015). Collection method: clinical testing. Allele origin: germline.
Comment: This sequence change creates a premature translational stop signal (p.Tyr350*) in the MYO1E gene. It is expected to result in an absent or disrupted protein product. Loss-of-function variants in MYO1E are known to be pathogenic (PMID: 21756023, 23595123, 25349199). This variant is not present in population databases (gnomAD no frequency). This variant has not been reported in the literature in individuals affected with MYO1E-related conditions. For these reasons, this variant has been classified as Pathogenic.

Literature cited by the submitters: PubMed 21756023; PubMed 23595123; PubMed 25349199.

NM_004998.4(MYO1E):c.1050C>A (p.Tyr350Ter)

Gene: MYO1E (myosin IE; minus strand). Cytogenetic location: 15q22.2.
Variant type: single nucleotide variant.
Coding change: c.1050C>A on transcript NM_004998.4 (MANE Select); coding-DNA position 1050, C replaced by A.
Protein change: p.Tyr350Ter; replaces tyrosine 350 with a stop codon.
Molecular consequence: nonsense.
Genome position (GRCh38, 1-based): chr15:59,217,948, G>T on the plus strand (C>A on the coding strand, the complement: MYO1E is on the minus strand). VCF-style: chr15-59217948-G-T. GRCh37 (hg19) VCF-style: chr15-59510147-G-T.
Other names: short protein forms Y350*.
Identifiers: ClinVar variation 3632780 (VCV003632780.2).